The following is an entry in ClinVar:

NM_000057.4(BLM):c.2406+6T>C

Gene: BLM (BLM RecQ like helicase; plus strand). Cytogenetic location: 15q26.1.
Variant type: single nucleotide variant.
Coding change: c.2406+6T>C on transcript NM_000057.4 (MANE Select); 6 bases into the intron after coding-DNA position 2406, T replaced by C.
Molecular consequence: intron variant.
Genome position (GRCh38, 1-based): chr15:90,769,237, T>C. VCF-style: chr15-90769237-T-C. GRCh37 (hg19) VCF-style: chr15-91312467-T-C.
Other names: c.2406+6T>C (NM_001287246.2, NM_001287247.2); c.1281+6T>C (NM_001287248.2).
Identifiers: ClinVar variation 3728482 (VCV003728482.2).

ClinVar aggregate classification (germline): Uncertain significance (1 of 4 stars; one submission).

Conditions:
Bloom syndrome (BLM). Also called: Bloom-Torre-Machacek syndrome. Identifiers: Orphanet 125, MedGen C0005859, MONDO:0008876, OMIM 210900.

gnomAD v4.1: 1 of 1,599,234 alleles (0.000063%); highest among the groups gnomAD compares: Non-Finnish European, 0.000086%; no homozygotes.

Submission:

Labcorp Genetics (formerly Invitae), Labcorp
Classification: Uncertain significance for Bloom syndrome. Last evaluated: 2025-01-05. Review status: criteria provided, single submitter. Criteria: Invitae Variant Classification Sherloc (09022015). Collection method: clinical testing. Allele origin: germline.
Comment: This sequence change falls in intron 11 of the BLM gene. It does not directly change the encoded amino acid sequence of the BLM protein. It affects a nucleotide within the consensus splice site. This variant is not present in population databases (gnomAD no frequency). This variant has not been reported in the literature in individuals affected with BLM-related conditions. Variants that disrupt the consensus splice site are a relatively common cause of aberrant splicing (PMID: 17576681, 9536098). Algorithms developed to predict the effect of sequence changes on RNA splicing suggest that this variant is not likely to affect RNA splicing. In summary, the available evidence is currently insufficient to determine the role of this variant in disease. Therefore, it has been classified as a Variant of Uncertain Significance.

Literature cited by the submitters: PubMed 17576681; PubMed 9536098.